The following is an entry in ClinVar:

NM_001365902.3(NFIX):c.428A>G (p.Glu143Gly)

Gene: NFIX (nuclear factor I X; plus strand). Cytogenetic location: 19p13.13.
Variant type: single nucleotide variant.
Coding change: c.428A>G on transcript NM_001365902.3 (MANE Select); coding-DNA position 428, A replaced by G.
Protein change: p.Glu143Gly; replaces glutamic acid 143 with glycine.
Molecular consequence: missense variant.
Genome position (GRCh38, 1-based): chr19:13,025,421, A>G. VCF-style: chr19-13025421-A-G. GRCh37 (hg19) VCF-style: chr19-13136235-A-G.
Other names: c.452A>G, p.Glu151Gly (NM_001271043.2); c.404A>G, p.Glu135Gly (NM_001271044.3, NM_001378404.1); c.428A>G, p.Glu143Gly (NM_001365982.2, NM_002501.4); c.287A>G, p.Glu96Gly (NM_001365983.2); c.425A>G, p.Glu142Gly (NM_001365984.2, NM_001365985.2); c.476A>G, p.Glu159Gly (NM_001378405.1); short protein forms E135G, E142G, E143G, E151G, E159G, E96G.
Identifiers: ClinVar variation 3766210 (VCV003766210.1).
Genomic context (GRCh38, chr19:13,025,421, plus strand): 5'-CTGACAAGGTGTGGCGGCTGGACCTGGTCATGGTGATTTTGTTTAAGGGGATCCCCCTGG[A>G]AAGTACTGATGGGGAGCGGCTCTACAAGTCGCCTCAGTGCTCGAACCCCGGCCTGTGCGT-3'
Protein context (NP_001352831.1, residues 133-153): MVILFKGIPL[Glu143Gly]STDGERLYKS

ClinVar aggregate classification (germline): Uncertain significance (1 of 4 stars; one submission).

Submission:

GeneDx
Classification: Uncertain significance. Last evaluated: 2024-08-25. Review status: criteria provided, single submitter. Criteria: GeneDx Variant Classification Process June 2021. Collection method: clinical testing. Allele origin: germline. Affected: yes.
Comment: Not observed at significant frequency in large population cohorts (gnomAD); In silico analysis supports that this missense variant has a deleterious effect on protein structure/function; Has not been previously published as pathogenic or benign to our knowledge; This variant is associated with the following publications: (PMID: 22982744)